The following is an entry in ClinVar:

NM_005751.5(AKAP9):c.11369G>A (p.Gly3790Asp)

Gene: AKAP9 (A-kinase anchoring protein 9; plus strand). Cytogenetic location: 7q21.2.
Variant type: single nucleotide variant.
Coding change: c.11369G>A on transcript NM_005751.5 (MANE Select); coding-DNA position 11369, G replaced by A.
Protein change: p.Gly3790Asp; replaces glycine 3790 with aspartic acid.
Molecular consequence: missense variant.
Genome position (GRCh38, 1-based): chr7:92,105,716, G>A. VCF-style: chr7-92105716-G-A. GRCh37 (hg19) VCF-style: chr7-91735030-G-A.
Other names: c.6014G>A, p.Gly2005Asp (NM_001379277.1); c.11345G>A, p.Gly3782Asp (NM_147185.3); short protein forms G2005D, G3782D, G3790D.
Identifiers: ClinVar variation 3225009 (VCV003225009.1), dbSNP rs2535327187, ClinGen allele CA368163583.
Genomic context (GRCh38, chr7:92,105,716, plus strand): 5'-TTTATCTTGGAATCTTTTTTAGAATGAAATTTTTGGTTCGACGGTGGCATCGAGTCACAG[G>A]TTCTGTTTCCATCAATATTAACAGAGATGGCTTTGGACTGAATCAAGGTGAAGTCAAAAT-3'
Protein context (NP_005742.4, residues 3780-3800): FLVRRWHRVT[Gly3790Asp]SVSININRDG

ClinVar aggregate classification (germline): Uncertain significance (1 of 4 stars; one submission).

Conditions:
Cardiovascular phenotype. Identifiers: MedGen CN230736.

Submission:

Ambry Genetics
Classification: Uncertain significance for Cardiovascular phenotype. Last evaluated: 2023-12-22. Review status: criteria provided, single submitter. Criteria: Ambry Variant Classification Scheme 2023. Collection method: clinical testing. Allele origin: germline.
Comment: The p.G3790D variant (also known as c.11369G>A), located in coding exon 47 of the AKAP9 gene, results from a G to A substitution at nucleotide position 11369. The glycine at codon 3790 is replaced by aspartic acid, an amino acid with similar properties. This amino acid position is conserved. In addition, this alteration is predicted to be tolerated by in silico analysis. Since supporting evidence is limited at this time, the clinical significance of this alteration remains unclear.